The following is an entry in ClinVar:

Conditions:
Complex neurodevelopmental disorder. Identifiers: Orphanet 528084, MedGen C5568766, MONDO:0100038.

Submission:

Channelopathy-Associated Epilepsy Research Center
No classification provided (evidence only). Condition: Complex neurodevelopmental disorder. Review status: no classification provided. Collection method: literature only. Allele origin: not applicable. Functional consequence: Moderate hyperpolarizing shift of voltage dependence of activation, Mild slowing of fast inactivation, Increase in slope of fast inactivation, Normal peak current, Normal ramp current, Overall gain-of-function effect with respect to biophysical channel activity.
ClinVar note: "not provided" was previously submitted as the classification for the variant. However, the classification appeared to be based only on an observation of functional data so it was converted to no classification on 2025-07-30.

Literature cited by the submitters: PubMed 30615093.

NM_001330260.2(SCN8A):c.5280G>C (p.Met1760Ile)

Gene: SCN8A (sodium voltage-gated channel alpha subunit 8; plus strand). Cytogenetic location: 12q13.13.
Variant type: single nucleotide variant.
Coding change: c.5280G>C on transcript NM_001330260.2 (MANE Select); coding-DNA position 5280, G replaced by C.
Protein change: p.Met1760Ile; replaces methionine 1760 with isoleucine.
Molecular consequence: missense variant.
Genome position (GRCh38, 1-based): chr12:51,806,766, G>C. VCF-style: chr12-51806766-G-C. GRCh37 (hg19) VCF-style: chr12-52200550-G-C.
Other names: c.5157G>C, p.Met1719Ile (NM_001177984.3, NM_001369788.1); c.5280G>C, p.Met1760Ile (NM_014191.4); c.5280G>C (NM_014191.3); short protein forms M1719I, M1760I.
Identifiers: ClinVar variation 3067144 (VCV003067144.2), dbSNP rs1555231013, ClinGen allele CA384885164.